The following is an entry in ClinVar:

NM_212482.4(FN1):c.5585C>A (p.Ala1862Asp)

Gene: FN1 (fibronectin 1; minus strand). Cytogenetic location: 2q35.
Variant type: single nucleotide variant.
Coding change: c.5585C>A on transcript NM_212482.4 (MANE Select); coding-DNA position 5585, C replaced by A.
Protein change: p.Ala1862Asp; replaces alanine 1862 with aspartic acid.
Molecular consequence: missense variant.
Genome position (GRCh38, 1-based): chr2:215,379,167, G>T on the plus strand (C>A on the coding strand, the complement: FN1 is on the minus strand). VCF-style: chr2-215379167-G-T. GRCh37 (hg19) VCF-style: chr2-216243890-G-T.
Other names: c.5585C>A, p.Ala1862Asp (NM_001306129.2); c.5315C>A, p.Ala1772Asp (NM_001306130.2, NM_001365517.2, NM_001365519.2 and 2 more transcripts); c.5042C>A, p.Ala1681Asp (NM_001306131.2, NM_001306132.2, NM_001365523.2 and 2 more transcripts); c.5312C>A, p.Ala1771Asp (NM_001365518.2, NM_001365520.2, NM_001365524.2 and 2 more transcripts); c.5585C>A (NM_212482.1); short protein forms A1681D, A1771D, A1862D, A1772D.
Identifiers: ClinVar variation 3011451 (VCV003011451.4), dbSNP rs1231714283, ClinGen allele CA350472697.

ClinVar aggregate classification (germline): Uncertain significance. Review status: criteria provided, multiple submitters, no conflicts (2 of 4 stars). 2 submissions from 2 submitters: Uncertain significance (2). Last evaluated 2025-06-07.

Conditions:
Inborn genetic diseases. Identifiers: MedGen C0950123, MeSH D030342.

Submissions (2):

Ambry Genetics
Classification: Uncertain significance for Inborn genetic diseases. Last evaluated: 2025-06-07. Review status: criteria provided, single submitter. Criteria: Ambry Variant Classification Scheme 2023. Collection method: clinical testing. Allele origin: germline.

Labcorp Genetics (formerly Invitae), Labcorp
Classification: Uncertain significance. Last evaluated: 2024-01-11. Review status: criteria provided, single submitter. Criteria: Invitae Variant Classification Sherloc (09022015). Collection method: clinical testing. Allele origin: germline.
Comment: This sequence change replaces alanine, which is neutral and non-polar, with aspartic acid, which is acidic and polar, at codon 1862 of the FN1 protein (p.Ala1862Asp). This variant is present in population databases (no rsID available, gnomAD 0.007%). This variant has not been reported in the literature in individuals affected with FN1-related conditions. An algorithm developed to predict the effect of missense changes on protein structure and function (PolyPhen-2) suggests that this variant is likely to be disruptive. In summary, the available evidence is currently insufficient to determine the role of this variant in disease. Therefore, it has been classified as a Variant of Uncertain Significance.